The following is an entry in ClinVar:

ClinVar aggregate classification (germline): Conflicting classifications of pathogenicity. Review status: criteria provided, conflicting classifications (1 of 4 stars). 8 submissions from 8 submitters: Uncertain significance (6); Benign (1); Likely benign (1). Last evaluated 2025-11-26.

Conditions:
RAD51C-related disorder. Also called: RAD51C-related condition; RAD51C-related disorders.
Breast-ovarian cancer, familial, susceptibility to, 3. Also called: RAD51C-Related Breast/Ovarian Cancer. Identifiers: Orphanet 145, MedGen C3150659, MONDO:0013253, OMIM 613399.
Fanconi anemia complementation group O. Also called: RAD51C-Related Fanconi Anemia. Identifiers: Orphanet 84, MedGen C3150653, MONDO:0013248, OMIM 613390.
Hereditary cancer-predisposing syndrome. Also called: Hereditary Cancer Syndrome; Neoplastic Syndromes, Hereditary; Tumor predisposition; Hereditary neoplastic syndrome. Identifiers: Orphanet 140162, MedGen C0027672, MeSH D009386, MONDO:0015356.

gnomAD v4.1: 3 of 1,612,134 alleles (0.00019%); highest among the groups gnomAD compares: Non-Finnish European, 0.00025%; no homozygotes.

Submissions (8):

Myriad Genetics, Inc.
Classification: Likely benign for Breast-ovarian cancer, familial, susceptibility to, 3. Last evaluated: 2025-11-26. Review status: criteria provided, single submitter. Criteria: Myriad Autosomal Dominant, Autosomal Recessive and X-Linked Classification Criteria (2023). Collection method: clinical testing. Allele origin: unknown.
Comment: This variant is considered likely benign. This variant is strongly associated with less severe personal and family histories of cancer, typical for individuals without pathogenic variants in this gene [PMID: 25085752].

Ambry Genetics
Classification: Benign for Hereditary cancer-predisposing syndrome. Last evaluated: 2025-10-28. Review status: criteria provided, single submitter. Criteria: Ambry Variant Classification Scheme 2023. Collection method: clinical testing. Allele origin: germline.

Labcorp Genetics (formerly Invitae), Labcorp
Classification: Uncertain significance for Fanconi anemia complementation group O. Last evaluated: 2025-10-13. Review status: criteria provided, single submitter. Criteria: Invitae Variant Classification Sherloc (09022015). Collection method: clinical testing. Allele origin: germline.
Comment: This sequence change replaces glutamic acid, which is acidic and polar, with aspartic acid, which is acidic and polar, at codon 232 of the RAD51C protein (p.Glu232Asp). This variant is not present in population databases (gnomAD no frequency). This variant has not been reported in the literature in individuals affected with RAD51C-related conditions. ClinVar contains an entry for this variant (Variation ID: 232379). Invitae Evidence Modeling of protein sequence and biophysical properties (such as structural, functional, and spatial information, amino acid conservation, physicochemical variation, residue mobility, and thermodynamic stability) indicates that this missense variant is not expected to disrupt RAD51C protein function with a negative predictive value of 80%. In summary, the available evidence is currently insufficient to determine the role of this variant in disease. Therefore, it has been classified as a Variant of Uncertain Significance.

Color Diagnostics, LLC DBA Color Health
Classification: Uncertain significance for Hereditary cancer-predisposing syndrome. Last evaluated: 2025-03-24. Review status: criteria provided, single submitter. Criteria: ACMG Guidelines, 2015. Collection method: clinical testing. Allele origin: germline.
Comment: This missense variant replaces glutamic acid with aspartic acid at codon 232 of the RAD51C protein. Computational prediction suggests that this variant may not impact protein structure and function. To our knowledge, functional studies have not been reported for this variant. This variant has not been reported in individuals affected with hereditary cancer in the literature. This variant has not been identified in the general population by the Genome Aggregation Database (gnomAD). The available evidence is insufficient to determine the role of this variant in disease conclusively. Therefore, this variant is classified as a Variant of Uncertain Significance.

Department of Pathology and Laboratory Medicine, Sinai Health System
Classification: Uncertain significance for Breast-ovarian cancer, familial, susceptibility to, 3. Last evaluated: 2024-11-20. Review status: criteria provided, single submitter. Criteria: ACMG Guidelines, 2015. Collection method: clinical testing. Allele origin: germline. Affected: yes.

Fulgent Genetics
Classification: Uncertain significance for Fanconi anemia complementation group O; Breast-ovarian cancer, familial, susceptibility to, 3. Last evaluated: 2024-06-21. Review status: criteria provided, single submitter. Criteria: ACMG Guidelines, 2015. Collection method: clinical testing. Allele origin: germline.

PreventionGenetics, part of Exact Sciences
Classification: Uncertain significance for RAD51C-related condition. Last evaluated: 2023-07-06. Review status: criteria provided, single submitter. Criteria: ACMG Guidelines, 2015. Collection method: clinical testing. Allele origin: germline.
Comment: The RAD51C c.696A>T variant is predicted to result in the amino acid substitution p.Glu232Asp. To our knowledge, this variant has not been reported in the literature or in a large population database, indicating this variant is rare. In ClinVar, this variant is classified as having uncertain clinical significance by several laboratories. At this time, the clinical significance of this variant is uncertain due to the absence of conclusive functional and genetic evidence.

GeneDx
Classification: Uncertain significance. Last evaluated: 2017-11-09. Review status: criteria provided, single submitter. Criteria: GeneDx Variant Classification (06012015). Collection method: clinical testing. Allele origin: germline. Affected: yes.
Comment: This variant is denoted RAD51C c.696A>T at the cDNA level, p.Glu232Asp (E232D) at the protein level, and results in the change of a Glutamic Acid to an Aspartic Acid (GAA>GAT). This variant has not, to our knowledge, been published in the literature as pathogenic or benign. RAD51C Glu232Asp was not observed in large population cohorts (Lek 2016). Since Glutamic Acid and Aspartic Acid share similar properties, this is considered a conservative amino acid substitution. RAD51C Glu232Asp is located within the region of interaction with RAD51B, RAD51D, XRCC3 (Miller 2004). In-silico analyses, including protein predictors and evolutionary conservation, support that this variant does not alter protein structure/function. Based on currently available evidence, it is unclear whether RAD51C Glu232Asp is a pathogenic or benign variant. We consider it to be a variant of uncertain significance.

Literature cited by the submitters: PubMed 25085752 (cited by Myriad Genetics, Inc.); PubMed 33471991 (cited by Department of Pathology and Laboratory Medicine, Sinai Health System).

NM_058216.3(RAD51C):c.696A>T (p.Glu232Asp)

Genes: RAD51C (RAD51 paralog C; plus strand), LOC129390903 (MPRA-validated peak2919 silencer; plus strand). Cytogenetic location: 17q22.
Variant type: single nucleotide variant.
Coding change: c.696A>T on transcript NM_058216.3 (MANE Select); coding-DNA position 696, A replaced by T.
Protein change: p.Glu232Asp; replaces glutamic acid 232 with aspartic acid.
Molecular consequence: missense variant. On other transcripts: non-coding transcript variant (1).
Genome position (GRCh38, 1-based): chr17:58,703,320, A>T. VCF-style: chr17-58703320-A-T. GRCh37 (hg19) VCF-style: chr17-56780681-A-T.
Other names: short protein forms E232D.
Identifiers: ClinVar variation 232379 (VCV000232379.27), dbSNP rs786201177, ClinGen allele CA10580747.